The following is an entry in ClinVar:

ClinVar aggregate classification (germline): Likely benign. Review status: criteria provided, multiple submitters, no conflicts (2 of 4 stars). 2 submissions from 2 submitters: Likely benign (2). Last evaluated 2025-12-02.

Conditions:
Dyskeratosis congenita, autosomal dominant 2. Identifiers: MedGen C3151443, MONDO:0013521, OMIM 613989.
Idiopathic Pulmonary Fibrosis. Also called: Idiopathic fibrosing alveolitis, chronic form; idiopathic fibrosing alveolitis. Identifiers: Orphanet 2032, MedGen C1800706, MeSH D054990, MONDO:0800504.
TERT-related disorder. Also called: TERT-related disorders; TERT-related condition.

Allele frequency attached by ClinVar (database versions not stated): TOPMed 0.00004; gnomAD 0.00005 and 0.00006; gnomAD exomes 0.00005; ESP Exome Variant Server 0.00008; ExAC 0.00010.
gnomAD v4.1: 51 of 1,610,018 alleles (0.0032%); highest among the groups gnomAD compares: Middle Eastern, 0.016%; no homozygotes.

Submissions (2):

Labcorp Genetics (formerly Invitae), Labcorp
Classification: Likely benign for Dyskeratosis congenita, autosomal dominant 2; Idiopathic Pulmonary Fibrosis. Last evaluated: 2025-12-02. Review status: criteria provided, single submitter. Criteria: Invitae Variant Classification Sherloc (09022015). Collection method: clinical testing. Allele origin: germline.

PreventionGenetics, part of Exact Sciences
Classification: Likely benign for TERT-related condition. Last evaluated: 2025-05-29. Review status: criteria provided, single submitter. Criteria: ACMG Guidelines, 2015. Collection method: clinical testing. Allele origin: germline.
Comment: This variant is classified as likely benign based on ACMG/AMP sequence variant interpretation guidelines (Richards et al. 2015 PMID: 25741868, with internal and published modifications).

NM_198253.3(TERT):c.2843+6C>T

Gene: TERT (telomerase reverse transcriptase; minus strand). Cytogenetic location: 5p15.33.
Variant type: single nucleotide variant.
Coding change: c.2843+6C>T on transcript NM_198253.3 (MANE Select); 6 bases into the intron after coding-DNA position 2843, C replaced by T.
Molecular consequence: intron variant.
Genome position (GRCh38, 1-based): chr5:1,264,398, G>A on the plus strand (C>T on the coding strand, the complement: TERT is on the minus strand). VCF-style: chr5-1264398-G-A. GRCh37 (hg19) VCF-style: chr5-1264513-G-A.
Other names: c.2654+2066C>T (NM_001193376.3).
Identifiers: ClinVar variation 242231 (VCV000242231.13), dbSNP rs372086160, ClinGen allele CA3184387.
Genomic context (GRCh38, chr5:1,264,398, plus strand): 5'-CAACGGCCCTGCAGCAGCACCTGCCCCAGCCGGGCACAGGCTCCACTTCCGGCCAGGTGC[G>A]CTCACCTGGAGTAGTCGCTCTGCACCTCCAGGGTCCGGGTATCCAGCAGCAGGCCGCACC-3'